The following is an entry in ClinVar:

ClinVar aggregate classification (germline): Likely benign (0 of 4 stars; one submission).

Conditions:
EPHX1-related disorder. Also called: EPHX1-related condition.

Allele frequency attached by ClinVar (database versions not stated): gnomAD exomes 0.00008; ExAC 0.00021; 1000 Genomes Project 30x 0.00031; 1000 Genomes Project 0.00040; TOPMed 0.00104; ESP Exome Variant Server 0.00108; gnomAD 0.00112.
gnomAD v4.1: 296 of 1,614,228 alleles (0.018%); highest among the groups gnomAD compares: African/African-American, 0.36%; 1 homozygote.

Submission:

PreventionGenetics, part of Exact Sciences
Classification: Likely benign for EPHX1-related condition. Last evaluated: 2019-03-12. Review status: no assertion criteria provided. Collection method: clinical testing. Allele origin: germline.
Comment: This variant is classified as likely benign based on ACMG/AMP sequence variant interpretation guidelines (Richards et al. 2015 PMID: 25741868, with internal and published modifications).

NM_001136018.4(EPHX1):c.778C>T (p.Leu260=)

Gene: EPHX1 (epoxide hydrolase 1; plus strand). Cytogenetic location: 1q42.12.
Variant type: single nucleotide variant.
Coding change: c.778C>T on transcript NM_001136018.4 (MANE Select); coding-DNA position 778, C replaced by T.
Protein change: p.Leu260=; no amino-acid change (leucine 260 retained).
Molecular consequence: synonymous variant. On other transcripts: non-coding transcript variant (1), intron variant (1).
Genome position (GRCh38, 1-based): chr1:225,839,884, C>T. VCF-style: chr1-225839884-C-T. GRCh37 (hg19) VCF-style: chr1-226027585-C-T.
Other names: c.778C>T, p.Leu260= (NM_000120.4, NM_001291163.2, NM_001378426.1 and 3 more transcripts); c.751C>T, p.Leu251= (NM_001378428.1); c.550C>T, p.Leu184= (NM_001378431.1); c.365-2482C>T (NM_001378432.1).
Identifiers: ClinVar variation 3058773 (VCV003058773.2), dbSNP rs35967527, ClinGen allele CA1418518.